The following is an entry in ClinVar:

ClinVar aggregate classification (germline): Likely benign. Review status: criteria provided, multiple submitters, no conflicts (2 of 4 stars). 2 submissions from 2 submitters: Likely benign (2). Last evaluated 2026-04-01.

Conditions:
Myoclonic dystonia 26. Identifiers: MedGen C4225341, MONDO:0014620, OMIM 616398.

Allele frequency attached by ClinVar (database versions not stated): TOPMed 0.00001; gnomAD 0.00002 and 0.00001; 1000 Genomes Project 30x 0.00016; 1000 Genomes Project 0.00020.
gnomAD v4.1: 25 of 1,613,198 alleles (0.0015%); highest among the groups gnomAD compares: South Asian, 0.0066%; no homozygotes.

Submissions (2):

CeGaT Center for Human Genetics Tuebingen
Classification: Likely benign. Last evaluated: 2026-04-01. Review status: criteria provided, single submitter. Criteria: CeGaT Center For Human Genetics Tuebingen Variant Classification Criteria Version 2. Collection method: clinical testing. Allele origin: germline. Affected: yes. Observed: 2 variant alleles.
Comment: KCTD17: BP4, BP7

Labcorp Genetics (formerly Invitae), Labcorp
Classification: Likely benign for Myoclonic dystonia 26. Last evaluated: 2022-07-19. Review status: criteria provided, single submitter. Criteria: Invitae Variant Classification Sherloc (09022015). Collection method: clinical testing. Allele origin: germline.

NM_001282684.2(KCTD17):c.522C>T (p.Ser174=)

Gene: KCTD17 (potassium channel tetramerization domain containing 17; plus strand). Cytogenetic location: 22q12.3.
Variant type: single nucleotide variant.
Coding change: c.522C>T on transcript NM_001282684.2 (MANE Select); coding-DNA position 522, C replaced by T.
Protein change: p.Ser174=; no amino-acid change (serine 174 retained).
Molecular consequence: synonymous variant.
Genome position (GRCh38, 1-based): chr22:37,059,348, C>T. VCF-style: chr22-37059348-C-T. GRCh37 (hg19) VCF-style: chr22-37455388-C-T.
Other names: c.522C>T, p.Ser174= (NM_001282685.2, NM_001282686.2, NM_024681.4).
Identifiers: ClinVar variation 1022760 (VCV001022760.17), dbSNP rs577803443, ClinGen allele CA10215072.